The following is an entry in ClinVar:

ClinVar aggregate classification (germline): Uncertain significance (1 of 4 stars; one submission).

Submission:

Women's Health and Genetics/Laboratory Corporation of America, LabCorp
Classification: Uncertain significance. Last evaluated: 2024-06-27. Review status: criteria provided, single submitter. Criteria: LabCorp Variant Classification Summary - May 2015. Collection method: clinical testing. Allele origin: germline.
Comment: Variant summary: CEP85L c.1570G>A (p.Val524Ile) results in a conservative amino acid change in the encoded protein sequence. Five of five in-silico tools predict a benign effect of the variant on protein function. The variant was absent in 248808 control chromosomes. The available data on variant occurrences in the general population are insufficient to allow any conclusion about variant significance. To our knowledge, no occurrence of c.1570G>A in individuals affected with Lissencephaly 10 and no experimental evidence demonstrating its impact on protein function have been reported. No submitters have cited clinical-significance assessments for this variant to ClinVar. Based on the evidence outlined above, the variant was classified as uncertain significance.

NM_001042475.3(CEP85L):c.1570G>A (p.Val524Ile)

Gene: CEP85L (centrosomal protein 85 like; minus strand). Cytogenetic location: 6q22.31.
Variant type: single nucleotide variant.
Coding change: c.1570G>A on transcript NM_001042475.3 (MANE Select); coding-DNA position 1570, G replaced by A.
Protein change: p.Val524Ile; replaces valine 524 with isoleucine.
Molecular consequence: missense variant.
Genome position (GRCh38, 1-based): chr6:118,483,726, C>T on the plus strand (G>A on the coding strand, the complement: CEP85L is on the minus strand). VCF-style: chr6-118483726-C-T. GRCh37 (hg19) VCF-style: chr6-118804889-C-T.
Other names: c.1579G>A, p.Val527Ile (NM_001178035.2); short protein forms V524I, V527I.
Identifiers: ClinVar variation 3339988 (VCV003339988.1).